The following is an entry in ClinVar:

NM_001017995.3(SH3PXD2B):c.698C>G (p.Thr233Arg)

Gene: SH3PXD2B (SH3 and PX domains 2B; minus strand). Cytogenetic location: 5q35.1.
Variant type: single nucleotide variant.
Coding change: c.698C>G on transcript NM_001017995.3 (MANE Select); coding-DNA position 698, C replaced by G.
Protein change: p.Thr233Arg; replaces threonine 233 with arginine.
Molecular consequence: missense variant.
Genome position (GRCh38, 1-based): chr5:172,353,975, G>C on the plus strand (C>G on the coding strand, the complement: SH3PXD2B is on the minus strand). VCF-style: chr5-172353975-G-C. GRCh37 (hg19) VCF-style: chr5-171780979-G-C.
Other names: c.698C>G, p.Thr233Arg (NM_001308175.2); short protein forms T233R.
Identifiers: ClinVar variation 4713381 (VCV004713381.1).

ClinVar aggregate classification (germline): Uncertain significance (1 of 4 stars; one submission).

gnomAD v4.1: 1 of 1,614,164 alleles (0.000062%); highest among the groups gnomAD compares: Non-Finnish European, 0.000085%; no homozygotes.

Submission:

Labcorp Genetics (formerly Invitae), Labcorp
Classification: Uncertain significance. Last evaluated: 2025-05-26. Review status: criteria provided, single submitter. Criteria: Invitae Variant Classification Sherloc (09022015). Collection method: clinical testing. Allele origin: germline.
Comment: This sequence change replaces threonine, which is neutral and polar, with arginine, which is basic and polar, at codon 233 of the SH3PXD2B protein (p.Thr233Arg). This variant is not present in population databases (gnomAD no frequency). This variant has not been reported in the literature in individuals affected with SH3PXD2B-related conditions. An algorithm developed to predict the effect of missense changes on protein structure and function (PolyPhen-2) suggests that this variant is likely to be disruptive. In summary, the available evidence is currently insufficient to determine the role of this variant in disease. Therefore, it has been classified as a Variant of Uncertain Significance.